The following is an entry in ClinVar:

NM_002772.3(TMPRSS15):c.552C>A (p.Cys184Ter)

Gene: TMPRSS15 (transmembrane serine protease 15; minus strand). Cytogenetic location: 21q21.1.
Variant type: single nucleotide variant.
Coding change: c.552C>A on transcript NM_002772.3 (MANE Select); coding-DNA position 552, C replaced by A.
Protein change: p.Cys184Ter; replaces cysteine 184 with a stop codon.
Molecular consequence: nonsense.
Genome position (GRCh38, 1-based): chr21:18,372,305, G>T on the plus strand (C>A on the coding strand, the complement: TMPRSS15 is on the minus strand). VCF-style: chr21-18372305-G-T. GRCh37 (hg19) VCF-style: chr21-19744622-G-T.
Other names: short protein forms C184*.
Identifiers: ClinVar variation 2818632 (VCV002818632.3), dbSNP rs2516786188, ClinGen allele CA409852648.

ClinVar aggregate classification (germline): Pathogenic (1 of 4 stars; one submission).

Submission:

Labcorp Genetics (formerly Invitae), Labcorp
Classification: Pathogenic. Last evaluated: 2022-12-08. Review status: criteria provided, single submitter. Criteria: Invitae Variant Classification Sherloc (09022015). Collection method: clinical testing. Allele origin: germline.
Comment: For these reasons, this variant has been classified as Pathogenic. This variant has not been reported in the literature in individuals affected with TMPRSS15-related conditions. This variant is not present in population databases (gnomAD no frequency). This sequence change creates a premature translational stop signal (p.Cys184*) in the TMPRSS15 gene. It is expected to result in an absent or disrupted protein product. Loss-of-function variants in TMPRSS15 are known to be pathogenic (PMID: 11719902).

Literature cited by the submitters: PubMed 11719902.